The following is an entry in ClinVar:

ClinVar aggregate classification (germline): Uncertain significance (1 of 4 stars; one submission).

Submission:

Labcorp Genetics (formerly Invitae), Labcorp
Classification: Uncertain significance. Last evaluated: 2022-09-01. Review status: criteria provided, single submitter. Criteria: Invitae Variant Classification Sherloc (09022015). Collection method: clinical testing. Allele origin: germline.
Comment: In summary, the available evidence is currently insufficient to determine the role of this variant in disease. Therefore, it has been classified as a Variant of Uncertain Significance. This sequence change replaces valine, which is neutral and non-polar, with alanine, which is neutral and non-polar, at codon 3969 of the KMT2C protein (p.Val3969Ala). This variant is not present in population databases (gnomAD no frequency). This variant has not been reported in the literature in individuals affected with KMT2C-related conditions. ClinVar contains an entry for this variant (Variation ID: 1367802). Algorithms developed to predict the effect of missense changes on protein structure and function are either unavailable or do not agree on the potential impact of this missense change (SIFT: "Deleterious"; PolyPhen-2: "Probably Damaging"; Align-GVGD: "Class C0").

NM_170606.3(KMT2C):c.11906T>C (p.Val3969Ala)

Gene: KMT2C (lysine methyltransferase 2C; minus strand). Cytogenetic location: 7q36.1.
Variant type: single nucleotide variant.
Coding change: c.11906T>C on transcript NM_170606.3 (MANE Select); coding-DNA position 11906, T replaced by C.
Protein change: p.Val3969Ala; replaces valine 3969 with alanine.
Molecular consequence: missense variant.
Genome position (GRCh38, 1-based): chr7:152,155,964, A>G on the plus strand (T>C on the coding strand, the complement: KMT2C is on the minus strand). VCF-style: chr7-152155964-A-G. GRCh37 (hg19) VCF-style: chr7-151853049-A-G.
Other names: short protein forms V3969A.
Identifiers: ClinVar variation 1367802 (VCV001367802.8), dbSNP rs2129099633, ClinGen allele CA370097531.